The following is an entry in ClinVar:

ClinVar aggregate classification (germline): Uncertain significance (1 of 4 stars; one submission).

Allele frequency attached by ClinVar (database versions not stated): gnomAD exomes 0.00001; TOPMed 0.00001.
gnomAD v4.1: 11 of 1,614,174 alleles (0.00068%); highest among the groups gnomAD compares: Non-Finnish European, 0.00093%; no homozygotes.

Submission:

GeneDx
Classification: Uncertain significance. Last evaluated: 2020-01-23. Review status: criteria provided, single submitter. Criteria: GeneDx Variant Classification Process June 2021. Collection method: clinical testing. Allele origin: germline. Affected: yes.
Comment: Not observed in large population cohorts (Lek et al., 2016); In silico analysis, which includes protein predictors and evolutionary conservation, supports a deleterious effect; Has not been previously published as pathogenic or benign to our knowledge

NM_015215.4(CAMTA1):c.3553A>G (p.Ser1185Gly)

Gene: CAMTA1 (calmodulin binding transcription activator 1; plus strand). Cytogenetic location: 1p36.23.
Variant type: single nucleotide variant.
Coding change: c.3553A>G on transcript NM_015215.4 (MANE Select); coding-DNA position 3553, A replaced by G.
Protein change: p.Ser1185Gly; replaces serine 1185 with glycine.
Molecular consequence: missense variant.
Genome position (GRCh38, 1-based): chr1:7,737,465, A>G. VCF-style: chr1-7737465-A-G. GRCh37 (hg19) VCF-style: chr1-7797525-A-G.
Other names: c.3463A>G, p.Ser1155Gly (NM_001349608.2, NM_001349612.2); c.3553A>G, p.Ser1185Gly (NM_001349609.2, NM_001349610.2); c.682A>G, p.Ser228Gly (NM_001349613.1); c.625A>G, p.Ser209Gly (NM_001349614.1, NM_001349615.2, NM_001349616.2 and 10 more transcripts); short protein forms S1155G, S1185G, S209G, S228G.
Identifiers: ClinVar variation 1314959 (VCV001314959.2), dbSNP rs954409338, ClinGen allele CA17230646.